The following is an entry in ClinVar:

NC_000007.14:g.(?_5989790)_(5995643_?)del

Gene: PMS2 (PMS1 homolog 2, mismatch repair system component; minus strand). Cytogenetic location: 7p22.1.
Variant type: Deletion.
Identifiers: ClinVar variation 831484 (VCV000831484.8).

ClinVar aggregate classification (germline): Pathogenic (1 of 4 stars; one submission).

Conditions:
Hereditary nonpolyposis colorectal neoplasms. Identifiers: MedGen C0009405, MeSH D003123.

Submission:

Labcorp Genetics (formerly Invitae), Labcorp
Classification: Pathogenic for Hereditary nonpolyposis colorectal neoplasms. Last evaluated: 2022-09-09. Review status: criteria provided, single submitter. Criteria: Invitae Variant Classification Sherloc (09022015). Collection method: clinical testing. Allele origin: germline.
Comment: For these reasons, this variant has been classified as Pathogenic. A similar copy number variant has been observed in individual(s) with clinical features of Lynch syndrome (PMID: 20205264). This variant is a gross deletion of the genomic region encompassing exon(s) 8-10 of the PMS2 gene. This deletion is out-of-frame, and is expected to create a premature termination codon and result in an absent or disrupted protein product. Loss-of-function variants in PMS2 are known to be pathogenic (PMID: 21376568, 24362816).

Literature cited by the submitters: PubMed 20205264; PubMed 21376568; PubMed 24362816.